The following is an entry in ClinVar:

ClinVar aggregate classification (germline): Uncertain significance (1 of 4 stars; one submission).

Submission:

Labcorp Genetics (formerly Invitae), Labcorp
Classification: Uncertain significance. Last evaluated: 2025-05-13. Review status: criteria provided, single submitter. Criteria: Invitae Variant Classification Sherloc (09022015). Collection method: clinical testing. Allele origin: germline.
Comment: This sequence change replaces aspartic acid, which is acidic and polar, with glutamic acid, which is acidic and polar, at codon 717 of the MSH3 protein (p.Asp717Glu). This variant is not present in population databases (gnomAD no frequency). This variant has not been reported in the literature in individuals affected with MSH3-related conditions. An algorithm developed to predict the effect of missense changes on protein structure and function outputs the following: PolyPhen-2: "Benign". The glutamic acid amino acid residue is found in multiple mammalian species, which suggests that this missense change does not adversely affect protein function. In summary, the available evidence is currently insufficient to determine the role of this variant in disease. Therefore, it has been classified as a Variant of Uncertain Significance.

NM_002439.5(MSH3):c.2151T>G (p.Asp717Glu)

Gene: MSH3 (mutS homolog 3; plus strand). Cytogenetic location: 5q14.1.
Variant type: single nucleotide variant.
Coding change: c.2151T>G on transcript NM_002439.5 (MANE Select); coding-DNA position 2151, T replaced by G.
Protein change: p.Asp717Glu; replaces aspartic acid 717 with glutamic acid.
Molecular consequence: missense variant.
Genome position (GRCh38, 1-based): chr5:80,768,901, T>G. VCF-style: chr5-80768901-T-G. GRCh37 (hg19) VCF-style: chr5-80064720-T-G.
Other names: short protein forms D717E.
Identifiers: ClinVar variation 4719451 (VCV004719451.1).